The following is an entry in ClinVar:

NM_003632.3(CNTNAP1):c.1081C>T (p.His361Tyr)

Gene: CNTNAP1 (contactin associated protein 1; plus strand). Cytogenetic location: 17q21.2.
Variant type: single nucleotide variant.
Coding change: c.1081C>T on transcript NM_003632.3 (MANE Select); coding-DNA position 1081, C replaced by T.
Protein change: p.His361Tyr; replaces histidine 361 with tyrosine.
Molecular consequence: missense variant.
Genome position (GRCh38, 1-based): chr17:42,687,756, C>T. VCF-style: chr17-42687756-C-T. GRCh37 (hg19) VCF-style: chr17-40839774-C-T.
Other names: p.His361Tyr; short protein forms H361Y.
Identifiers: ClinVar variation 1693700 (VCV001693700.10), dbSNP rs145754857, ClinGen allele CA8581708.

ClinVar aggregate classification (germline): Uncertain significance. Review status: criteria provided, multiple submitters, no conflicts (2 of 4 stars). 3 submissions from 3 submitters: Uncertain significance (3). Last evaluated 2023-03-17.

Conditions:
Inborn genetic diseases. Identifiers: MedGen C0950123, MeSH D030342.

Allele frequency attached by ClinVar (database versions not stated): gnomAD exomes 0.00001 and 0.00004; ExAC 0.00002; gnomAD 0.00004; TOPMed 0.00007; ESP Exome Variant Server 0.00008.
gnomAD v4.1: 34 of 1,614,112 alleles (0.0021%); highest among the groups gnomAD compares: Middle Eastern, 0.016%; no homozygotes.

Submissions (3):

Ambry Genetics
Classification: Uncertain significance for Inborn genetic diseases. Last evaluated: 2023-03-17. Review status: criteria provided, single submitter. Criteria: Ambry Variant Classification Scheme 2023. Collection method: clinical testing. Allele origin: germline.

GeneDx
Classification: Uncertain significance. Last evaluated: 2022-07-25. Review status: criteria provided, single submitter. Criteria: GeneDx Variant Classification Process June 2021. Collection method: clinical testing. Allele origin: germline. Affected: yes.
Comment: In silico analysis supports that this missense variant does not alter protein structure/function; Has not been previously published as pathogenic or benign to our knowledge

Mayo Clinic Laboratories, Mayo Clinic
Classification: Uncertain significance. Last evaluated: 2021-04-15. Review status: criteria provided, single submitter. Criteria: ACMG Guidelines, 2015. Collection method: clinical testing. Allele origin: germline.